The following is an entry in ClinVar:

NM_017636.4(TRPM4):c.3596T>C (p.Leu1199Pro)

Gene: TRPM4 (transient receptor potential cation channel subfamily M member 4; plus strand). Cytogenetic location: 19q13.33.
Variant type: single nucleotide variant.
Coding change: c.3596T>C on transcript NM_017636.4 (MANE Select); coding-DNA position 3596, T replaced by C.
Protein change: p.Leu1199Pro; replaces leucine 1199 with proline.
Molecular consequence: missense variant.
Genome position (GRCh38, 1-based): chr19:49,211,225, T>C. VCF-style: chr19-49211225-T-C. GRCh37 (hg19) VCF-style: chr19-49714482-T-C.
Other names: c.3161T>C, p.Leu1054Pro (NM_001195227.2); c.3251T>C, p.Leu1084Pro (NM_001321281.2); c.1988T>C, p.Leu663Pro (NM_001321282.2); c.3074T>C, p.Leu1025Pro (NM_001321283.2); c.2534T>C, p.Leu845Pro (NM_001321285.2); short protein forms L1084P, L1199P, L1025P, L1054P, L845P, L663P.
Identifiers: ClinVar variation 1733022 (VCV001733022.5), dbSNP rs2514245336, ClinGen allele CA406773761.

ClinVar aggregate classification (germline): Uncertain significance. Review status: criteria provided, multiple submitters, no conflicts (2 of 4 stars). 2 submissions from 2 submitters: Uncertain significance (2). Last evaluated 2024-05-17.

Conditions:
Cardiovascular phenotype. Identifiers: MedGen CN230736.
Progressive familial heart block type IB (PFHB1B). Identifiers: Orphanet 871, MedGen C1970298, MONDO:0011474, OMIM 604559.

Allele frequency attached by ClinVar (database versions not stated): gnomAD exomes below 0.00001.
gnomAD v4.1: 3 of 1,595,318 alleles (0.00019%); highest among the groups gnomAD compares: African/African-American, 0.004%; no homozygotes.

Submissions (2):

Ambry Genetics
Classification: Uncertain significance for Cardiovascular phenotype. Last evaluated: 2024-05-17. Review status: criteria provided, single submitter. Criteria: Ambry Variant Classification Scheme 2023. Collection method: clinical testing. Allele origin: germline.
Comment: The p.L1199P variant (also known as c.3596T>C), located in coding exon 24 of the TRPM4 gene, results from a T to C substitution at nucleotide position 3596. The leucine at codon 1199 is replaced by proline, an amino acid with similar properties. This amino acid position is conserved. In addition, this alteration is predicted to be tolerated by in silico analysis. Since supporting evidence is limited at this time, the clinical significance of this alteration remains unclear.

Labcorp Genetics (formerly Invitae), Labcorp
Classification: Uncertain significance for Progressive familial heart block type IB. Last evaluated: 2024-02-22. Review status: criteria provided, single submitter. Criteria: Invitae Variant Classification Sherloc (09022015). Collection method: clinical testing. Allele origin: germline.
Comment: This sequence change replaces leucine, which is neutral and non-polar, with proline, which is neutral and non-polar, at codon 1199 of the TRPM4 protein (p.Leu1199Pro). This variant is not present in population databases (gnomAD no frequency). This variant has not been reported in the literature in individuals affected with TRPM4-related conditions. ClinVar contains an entry for this variant (Variation ID: 1733022). An algorithm developed to predict the effect of missense changes on protein structure and function (PolyPhen-2) suggests that this variant is likely to be disruptive. In summary, the available evidence is currently insufficient to determine the role of this variant in disease. Therefore, it has been classified as a Variant of Uncertain Significance.